The following is an entry in ClinVar:

NM_007217.4(PDCD10):c.244C>T (p.Arg82Cys)

Gene: PDCD10 (programmed cell death 10; minus strand). Cytogenetic location: 3q26.1.
Variant type: single nucleotide variant.
Coding change: c.244C>T on transcript NM_007217.4 (MANE Select); coding-DNA position 244, C replaced by T.
Protein change: p.Arg82Cys; replaces arginine 82 with cysteine.
Molecular consequence: missense variant.
Genome position (GRCh38, 1-based): chr3:167,697,033, G>A on the plus strand (C>T on the coding strand, the complement: PDCD10 is on the minus strand). VCF-style: chr3-167697033-G-A. GRCh37 (hg19) VCF-style: chr3-167414821-G-A.
Other names: c.244C>T, p.Arg82Cys (NM_001439202.1, NM_001439204.1, NM_001439205.1 and 2 more transcripts); short protein forms R82C.
Identifiers: ClinVar variation 4882080 (VCV004882080.2).

ClinVar aggregate classification (germline): Uncertain significance (1 of 4 stars; one submission).

Submission:

Dasa
Classification: Uncertain significance. Last evaluated: 2025-03-05. Review status: criteria provided, single submitter. Criteria: DASA Assertion Criteria. Collection method: clinical testing. Allele origin: germline.
Comment: NM_007217.4(PDCD10):c.244C>T (p.Arg82Cys) is a missense variant that results in the substitution of arginine with cysteine. This variant is rare in population databases. The currently available literature and clinical evidence are not sufficient to establish a definitive association between this variant and the reported condition. Therefore, this variant is classified as a variant of uncertain significance.